The following is an entry in ClinVar:

ClinVar aggregate classification (germline): Pathogenic (1 of 4 stars; one submission).

Submission:

Labcorp Genetics (formerly Invitae), Labcorp
Classification: Pathogenic. Last evaluated: 2019-08-04. Review status: criteria provided, single submitter. Criteria: Invitae Variant Classification Sherloc (09022015). Collection method: clinical testing. Allele origin: germline.
Comment: Loss-of-function variants in ESCO2 are known to be pathogenic (PMID: 15821733, 16380922). For these reasons, this variant has been classified as Pathogenic. This variant has not been reported in the literature in individuals with ESCO2-related conditions. This variant is not present in population databases (ExAC no frequency). This sequence change creates a premature translational stop signal (p.Gln355*) in the ESCO2 gene. It is expected to result in an absent or disrupted protein product.

Literature cited by the submitters: PubMed 15821733; PubMed 16380922.

NM_001017420.3(ESCO2):c.1063C>T (p.Gln355Ter)

Gene: ESCO2 (establishment of sister chromatid cohesion N-acetyltransferase 2; plus strand). Cytogenetic location: 8p21.1.
Variant type: single nucleotide variant.
Coding change: c.1063C>T on transcript NM_001017420.3 (MANE Select); coding-DNA position 1063, C replaced by T.
Protein change: p.Gln355Ter; replaces glutamine 355 with a stop codon.
Molecular consequence: nonsense.
Genome position (GRCh38, 1-based): chr8:27,787,934, C>T. VCF-style: chr8-27787934-C-T. GRCh37 (hg19) VCF-style: chr8-27645451-C-T.
Other names: short protein forms Q355*.
Identifiers: ClinVar variation 935596 (VCV000935596.6), dbSNP rs1805083417, ClinGen allele CA370823405.